The following is an entry in ClinVar:

NM_005169.4(PHOX2A):c.674A>T (p.Gln225Leu)

Genes: PHOX2A (paired like homeobox 2A; minus strand), LOC130006329 (ATAC-STARR-seq lymphoblastoid silent region 3718; plus strand). Cytogenetic location: 11q13.4.
Variant type: single nucleotide variant.
Coding change: c.674A>T on transcript NM_005169.4 (MANE Select); coding-DNA position 674, A replaced by T.
Protein change: p.Gln225Leu; replaces glutamine 225 with leucine.
Molecular consequence: missense variant. On other transcripts: 3 prime UTR variant (1).
Genome position (GRCh38, 1-based): chr11:72,239,930, T>A on the plus strand (A>T on the coding strand, the complement: PHOX2A is on the minus strand). VCF-style: chr11-72239930-T-A. GRCh37 (hg19) VCF-style: chr11-71950974-T-A.
Other names: c.758A>T, p.Gln253Leu (NM_001425096.1); c.698A>T, p.Gln233Leu (NM_001425097.1); c.*553A>T (NM_001425098.1); short protein forms Q225L, Q233L, Q253L.
Identifiers: ClinVar variation 3346067 (VCV003346067.1).

ClinVar aggregate classification (germline): Uncertain significance (0 of 4 stars; one submission).

Conditions:
PHOX2A-related disorder. Also called: PHOX2A-related condition.

Submission:

PreventionGenetics, part of Exact Sciences
Classification: Uncertain significance for PHOX2A-related condition. Last evaluated: 2024-05-17. Review status: no assertion criteria provided. Collection method: clinical testing. Allele origin: germline.
Comment: The PHOX2A c.674A>T variant is predicted to result in the amino acid substitution p.Gln225Leu. To our knowledge, this variant has not been reported in the literature or in a large population database, indicating this variant is rare. At this time, the clinical significance of this variant is uncertain due to the absence of conclusive functional and genetic evidence.